The following is an entry in ClinVar:

NM_001371623.1(TCOF1):c.1565G>T (p.Gly522Val)

Gene: TCOF1 (treacle ribosome biogenesis factor 1; plus strand). Cytogenetic location: 5q32.
Variant type: single nucleotide variant.
Coding change: c.1565G>T on transcript NM_001371623.1 (MANE Select); coding-DNA position 1565, G replaced by T.
Protein change: p.Gly522Val; replaces glycine 522 with valine.
Molecular consequence: missense variant.
Genome position (GRCh38, 1-based): chr5:150,375,415, G>T. VCF-style: chr5-150375415-G-T. GRCh37 (hg19) VCF-style: chr5-149754978-G-T.
Other names: c.1334G>T, p.Gly445Val (NM_000356.4, NM_001135245.2); c.1565G>T, p.Gly522Val (NM_001008657.3, NM_001135243.2, NM_001135244.2 and 1 more transcripts); short protein forms G445V, G522V.
Identifiers: ClinVar variation 3372700 (VCV003372700.3).
Genomic context (GRCh38, chr5:150,375,415, plus strand): 5'-AAAGCCCCCAGGTGAAACCTGCCTCTACCATGGGCATGGGGCCCTTGGGGAAAGGCGCCG[G>T]CCCAGTGCCACCCGGGAAGGTGGGGCCTGCAACCCCCTCAGCCCAGGTGGGGAAGTGGGA-3'
Protein context (NP_001358552.1, residues 512-532): MGMGPLGKGA[Gly522Val]PVPPGKVGPA

ClinVar aggregate classification (germline): Conflicting classifications of pathogenicity. Review status: criteria provided, conflicting classifications (1 of 4 stars). 2 submissions from 2 submitters: Uncertain significance (1); Likely benign (1). Last evaluated 2025-12-12.

Conditions:
Inborn genetic diseases. Identifiers: MedGen C0950123, MeSH D030342.

gnomAD v4.1: 108 of 1,612,660 alleles (0.0067%); highest among the groups gnomAD compares: Non-Finnish European, 0.0082%; no homozygotes.

Submissions (2):

GeneDx
Classification: Uncertain significance. Last evaluated: 2025-12-12. Review status: criteria provided, single submitter. Criteria: GeneDx Variant Classification Process June 2021. Collection method: clinical testing. Allele origin: germline. Affected: yes.
Comment: In silico analysis suggests that this missense variant does not alter protein structure/function; Has not been previously published as pathogenic or benign to our knowledge

Ambry Genetics
Classification: Likely benign for Inborn genetic diseases. Last evaluated: 2025-04-05. Review status: criteria provided, single submitter. Criteria: Ambry Variant Classification Scheme 2023. Collection method: clinical testing. Allele origin: germline.